The following is an entry in ClinVar:

NM_002709.3(PPP1CB):c.520+36dup

Gene: PPP1CB (protein phosphatase 1 catalytic subunit beta; plus strand). Cytogenetic location: 2p23.2.
Variant type: Duplication.
Coding change: c.520+36dup on transcript NM_002709.3 (MANE Select); 36 bases into the intron after coding-DNA position 520, one base duplicated (T; older notation c.520+36dupT).
Molecular consequence: intron variant.
Genome position (GRCh38, 1-based): chr2:28,781,878, T duplicated; the last of 10 consecutive T bases (chr2:28,781,869-28,781,878); duplicating any one gives the same sequence. VCF-style (leftmost placement, unchanged base first): chr2-28781868-A-AT. GRCh37 (hg19) VCF-style: chr2-29004734-A-AT.
Other names: c.520+36dup (NM_206876.2).
Identifiers: ClinVar variation 2650783 (VCV002650783.24), dbSNP rs373637301, ClinGen allele CA1589235.

ClinVar aggregate classification (germline): Benign (1 of 4 stars; one submission).

Submission:

CeGaT Center for Human Genetics Tuebingen
Classification: Benign. Last evaluated: 2022-10-01. Review status: criteria provided, single submitter. Criteria: CeGaT Center For Human Genetics Tuebingen Variant Classification Criteria Version 2. Collection method: clinical testing. Allele origin: germline. Affected: yes. Observed: 3 variant alleles.
Comment: PPP1CB: BS1, BS2